The following is an entry in ClinVar:

ClinVar aggregate classification (germline): Pathogenic (1 of 4 stars; one submission).

Submission:

Labcorp Genetics (formerly Invitae), Labcorp
Classification: Pathogenic. Last evaluated: 2023-08-01. Review status: criteria provided, single submitter. Criteria: Invitae Variant Classification Sherloc (09022015). Collection method: clinical testing. Allele origin: germline.
Comment: This sequence change inserts a large fragment of DNA, likely a transposable element, in exon 14 of the MYO6 gene (c.1452_1453ins?), causing a frameshift at codon 485 (p.Asn485fs). The exact size and sequence of the insertion cannot be determined by the current assay. However, the insertion is expected to result in an absent or disrupted protein product. This variant is not present in population databases (gnomAD no frequency). This variant has not been reported in the literature in individuals affected with MYO6-related conditions. Algorithms developed to predict the effect of sequence changes on RNA splicing suggest that this variant may disrupt the consensus splice site. Retrotransposon insertions including LINE1 (L1), Alu, and SVA (SINE-VNTR-Alu) have been reported to be disease-causing through disruption of either a coding region or splice site (PMID: 19763152, 20307669, 22406018) and loss-of-function variants in MYO6 are known to be pathogenic (PMID: 12687499, 18348273, 23767834, 25999546, 30582396). For these reasons, this variant has been classified as Pathogenic.

Literature cited by the submitters: PubMed 19763152; PubMed 20307669; PubMed 22406018; PubMed 12687499; PubMed 18348273; PubMed 23767834; PubMed 25999546; PubMed 30582396.

NM_004999.4(MYO6):c.1452_1453insTTTTTTTTTTTTTTTTTTTTNNNNNNNNNNGAGGGAGAGGGAGAGGGAGAGGGAGAGGGAGAGGGAGAGGGAGAGGGAGAGGGAGAGTCTTCAACAATTTTTT (p.Asn485delinsPhePhePhePhePhePheXaaXaaXaaXaaGluGlyGluGlyGluGlyGluGlyGluGlyGluGlyGluGlyGluGlyGluGlyGluSerSerThrIlePheTer)

Gene: MYO6 (myosin VI; plus strand). Cytogenetic location: 6q14.1.
Variant type: Insertion.
Coding change: c.1452_1453insTTTTTTTTTTTTTTTTTTTTNNNNNNNNNNGAGGGAGAGGGAGAGGGAGAGGGAGAGGGAGAGGGAGAGGGAGAGGGAGAGGGAGAGTCTTCAACAATTTTTT on transcript NM_004999.4 (MANE Select); coding-DNA positions 1452 to 1453, TTTTTTTTTTTTTTTTTTTTNNNNNNNNNNGAGGGAGAGGGAGAGGGAGAGGGAGAGGGAGAGGGAGAGGGAGAGGGAGAGGGAGAGTCTTCAACAATTTTTT inserted.
Protein change: p.Asn485delinsPhePhePhePhePhePheXaaXaaXaaXaaGluGlyGluGlyGluGlyGluGlyGluGlyGluGlyGluGlyGluGlyGluGlyGluSerSerThrIlePheTer.
Molecular consequence: nonsense. On other transcripts: non-coding transcript variant (1).
Genome position: GRCh38: chr6:75,858,972-75,858,973. GRCh37 (hg19): chr6:76,568,689-76,568,690.
Other names: c.1452_1453insTTTTTTTTTTTTTTTTTTTTNNNNNNNNNNGAGGGAGAGGGAGAGGGAGAGGGAGAGGGAGAGGGAGAGGGAGAGGGAGAGGGAGAGTCTTCAACAATTTTTT, p.Asn485delinsPhePhePhePhePhePheXaaXaaXaaXaaGluGlyGluGlyGluGlyGluGlyGluGlyGluGlyGluGlyGluGlyGluGlyGluSerSerThrIlePheTer (NM_001300899.2, NM_001368136.1, NM_001368137.1 and 2 more transcripts); c.1437_1438insTTTTTTTTTTTTTTTTTTTTNNNNNNNNNNGAGGGAGAGGGAGAGGGAGAGGGAGAGGGAGAGGGAGAGGGAGAGGGAGAGGGAGAGTCTTCAACAATTTTTT, p.Asn480delinsPhePhePhePhePhePheXaaXaaXaaXaaGluGlyGluGlyGluGlyGluGlyGluGlyGluGlyGluGlyGluGlyGluGlyGluSerSerThrIlePheTer (NM_001368138.1).
Identifiers: ClinVar variation 2831928 (VCV002831928.3), dbSNP rs2535281792.